The following is an entry in ClinVar:

ClinVar aggregate classification (germline): Pathogenic (0 of 4 stars; one submission).

Conditions:
Pyruvate dehydrogenase E1-alpha deficiency (PDHAD). Also called: ATAXIA, INTERMITTENT, WITH PYRUVATE DEHYDROGENASE DEFICIENCY; ATAXIA WITH LACTIC ACIDOSIS I; ATAXIA, INTERMITTENT, WITH ABNORMAL PYRUVATE METABOLISM; Ataxia, intermittent, with pyruvate dehydrogenase, or decarboxylase, deficiency. Identifiers: Orphanet 79243, MedGen C1839413, MONDO:0010717, OMIM 312170.

Submission:

PDHA1 Study Group, University Children’s Hospital, Paracelsus Medical University
Classification: Pathogenic for Pyruvate dehydrogenase E1-alpha deficiency. Last evaluated: 2024-10-15. Review status: no assertion criteria provided. Collection method: research. Allele origin: de novo. Affected: yes. Observed: 1 variant allele.
Comment: The NM_000284.3:c.886G>A (p.Asp296Asn) substitution is a missense variant in PDHA1 gene. Among them, 1 case had confirmed de novo occurrence. Last literature search: July 12, 2024. This variant is absent or extremely rare in population-based cohorts in the Genome Aggregation Database (gnomAD). Individuals harboring this variant presented with clinical features compatible with PDHA1-related PDHc deficiency. In summary, this variant meets criteria to be classified as pathogenic (P) for PDHA1-related PDHc deficiency based on the ACMG/AMP criteria applied: PS2, PM1, PM2, PM5, PP3 (last assessment October 15, 2024).

Literature cited by the submitters: DOI 10.1093/brain/awaf430.

NM_000284.4(PDHA1):c.886G>A (p.Asp296Asn)

Gene: PDHA1 (pyruvate dehydrogenase E1 subunit alpha 1; plus strand). Cytogenetic location: Xp22.12.
Variant type: single nucleotide variant.
Coding change: c.886G>A on transcript NM_000284.4 (MANE Select); coding-DNA position 886, G replaced by A.
Protein change: p.Asp296Asn; replaces aspartic acid 296 with asparagine.
Molecular consequence: missense variant.
Genome position (GRCh38, 1-based): chrX:19,357,706, G>A. VCF-style: chrX-19357706-G-A. GRCh37 (hg19) VCF-style: chrX-19375824-G-A.
Other names: c.1000G>A, p.Asp334Asn (NM_001173454.2); c.907G>A, p.Asp303Asn (NM_001173455.2); c.793G>A, p.Asp265Asn (NM_001173456.2); short protein forms D265N, D296N, D303N, D334N.
Identifiers: ClinVar variation 4070382 (VCV004070382.1).